The following is an entry in ClinVar:

ClinVar aggregate classification (germline): Uncertain significance (1 of 4 stars; one submission).

Conditions:
Spastic paraplegia, intellectual disability, nystagmus, and obesity. Also called: Spastic paraplegia, intellectual disability, nystagmus, and obesity;. Identifiers: Orphanet 521390, MedGen C4284592, MONDO:0015007, OMIM 617296.

Allele frequency attached by ClinVar (database versions not stated): TOPMed below 0.00001; gnomAD exomes 0.00001; ExAC 0.00002.
gnomAD v4.1: 3 of 1,607,998 alleles (0.00019%); highest among the groups gnomAD compares: South Asian, 0.0011%; no homozygotes.

Submission:

Centre for Mendelian Genomics, University Medical Centre Ljubljana
Classification: Uncertain significance for Spastic paraplegia, intellectual disability, nystagmus, and obesity. Last evaluated: 2019-08-12. Review status: criteria provided, single submitter. Criteria: ACMG Guidelines, 2015. Collection method: clinical testing. Allele origin: unknown. Affected: yes.
Comment: This variant was classified as: Uncertain significance. The available evidence on this variant's pathogenicity is insufficient or conflicting. The following ACMG criteria were applied in classifying this variant: PP3.

NM_020738.4(KIDINS220):c.2702G>A (p.Arg901Gln)

Gene: KIDINS220 (kinase D interacting substrate 220; minus strand). Cytogenetic location: 2p25.1.
Variant type: single nucleotide variant.
Coding change: c.2702G>A on transcript NM_020738.4 (MANE Select); coding-DNA position 2702, G replaced by A.
Protein change: p.Arg901Gln; replaces arginine 901 with glutamine.
Molecular consequence: missense variant. On other transcripts: non-coding transcript variant (2).
Genome position (GRCh38, 1-based): chr2:8,778,640, C>T on the plus strand (G>A on the coding strand, the complement: KIDINS220 is on the minus strand). VCF-style: chr2-8778640-C-T. GRCh37 (hg19) VCF-style: chr2-8918770-C-T.
Other names: c.2705G>A, p.Arg902Gln (NM_001348729.2, NM_001348731.2, NM_001348734.2 and 3 more transcripts); c.2702G>A, p.Arg901Gln (NM_001348732.2, NM_001348735.2, NM_001348738.2 and 3 more transcripts); c.2576G>A, p.Arg859Gln (NM_001348736.2); short protein forms R902Q, R901Q, R859Q.
Identifiers: ClinVar variation 930551 (VCV000930551.3), dbSNP rs755319483, ClinGen allele CA1519916.